The following is an entry in ClinVar:

ClinVar aggregate classification (germline): Uncertain significance (1 of 4 stars; one submission).

Conditions:
Epilepsy, early-onset, vitamin B6-dependent. Also called: PLPBP Deficiency; EPILEPSY, EARLY-ONSET, 1, VITAMIN B6-DEPENDENT. Identifiers: MedGen C4310632, MONDO:0015005, OMIM 617290.

gnomAD v4.1: 3 of 1,614,230 alleles (0.00019%); highest among the groups gnomAD compares: Admixed American, 0.0017%; no homozygotes.

Submission:

Unidad de Genómica Garrahan, Hospital de Pediatría Garrahan
Classification: Uncertain significance for Epilepsy, early-onset, vitamin B6-dependent. Last evaluated: 2023-01-01. Review status: criteria provided, single submitter. Criteria: ACMG Guidelines, 2015. Collection method: clinical testing. Allele origin: germline. Affected: yes. Observed: 1 variant allele.
Comment: PM2_supporting. Single variant detected, with adequate coverage of coding regions and splice sites.

NM_007198.4(PLPBP):c.532G>T (p.Val178Leu)

Gene: PLPBP (pyridoxal phosphate binding protein; plus strand). Cytogenetic location: 8p11.23.
Variant type: single nucleotide variant.
Coding change: c.532G>T on transcript NM_007198.4 (MANE Select); coding-DNA position 532, G replaced by T.
Protein change: p.Val178Leu; replaces valine 178 with leucine.
Molecular consequence: missense variant.
Genome position (GRCh38, 1-based): chr8:37,775,416, G>T. VCF-style: chr8-37775416-G-T. GRCh37 (hg19) VCF-style: chr8-37632934-G-T.
Other names: NP_009129.1:p.(Val178Leu); c.562G>T, p.Val188Leu (NM_001349346.2); c.526G>T, p.Val176Leu (NM_001349347.2); c.376G>T, p.Val126Leu (NM_001349348.2); short protein forms V126L, V176L, V178L, V188L.
Identifiers: ClinVar variation 4851545 (VCV004851545.1).